The following is an entry in ClinVar:

NM_000400.4(ERCC2):c.1605C>T (p.Ile535=)

Gene: ERCC2 (ERCC excision repair 2, TFIIH core complex helicase subunit; minus strand). Cytogenetic location: 19q13.32.
Variant type: single nucleotide variant.
Coding change: c.1605C>T on transcript NM_000400.4 (MANE Select); coding-DNA position 1605, C replaced by T.
Protein change: p.Ile535=; no amino-acid change (isoleucine 535 retained).
Molecular consequence: synonymous variant.
Genome position (GRCh38, 1-based): chr19:45,354,790, G>A on the plus strand (C>T on the coding strand, the complement: ERCC2 is on the minus strand). VCF-style: chr19-45354790-G-A. GRCh37 (hg19) VCF-style: chr19-45858048-G-A.
Identifiers: ClinVar variation 1570292 (VCV001570292.12), dbSNP rs761413186, ClinGen allele CA9513189.

ClinVar aggregate classification (germline): Likely benign. Review status: criteria provided, multiple submitters, no conflicts (2 of 4 stars). 3 submissions from 3 submitters: Likely benign (3). Last evaluated 2026-06-01.

Conditions:
Inborn genetic diseases. Identifiers: MedGen C0950123, MeSH D030342.

Allele frequency attached by ClinVar (database versions not stated): gnomAD exomes 0.00001 and 0.00002; ExAC 0.00002.

Submissions (3):

CeGaT Center for Human Genetics Tuebingen
Classification: Likely benign. Last evaluated: 2026-06-01. Review status: criteria provided, single submitter. Criteria: CeGaT Center For Human Genetics Tuebingen Variant Classification Criteria Version 2. Collection method: clinical testing. Allele origin: germline. Affected: yes. Observed: 1 variant allele.
Comment: ERCC2: BP4, BP7

Labcorp Genetics (formerly Invitae), Labcorp
Classification: Likely benign. Last evaluated: 2024-02-14. Review status: criteria provided, single submitter. Criteria: Invitae Variant Classification Sherloc (09022015). Collection method: clinical testing. Allele origin: germline.

Ambry Genetics
Classification: Likely benign for Inborn genetic diseases. Last evaluated: 2022-04-10. Review status: criteria provided, single submitter. Criteria: Ambry Variant Classification Scheme 2023. Collection method: clinical testing. Allele origin: germline.